The following is an entry in ClinVar:

NM_001211.6(BUB1B):c.3103T>G (p.Leu1035Val)

Genes: BUB1B (BUB1 mitotic checkpoint serine/threonine kinase B; plus strand), BUB1B-PAK6 (BUB1B-PAK6 readthrough; plus strand). Cytogenetic location: 15q15.1.
Variant type: single nucleotide variant.
Coding change: c.3103T>G on transcript NM_001211.6 (MANE Select); coding-DNA position 3103, T replaced by G.
Protein change: p.Leu1035Val; replaces leucine 1035 with valine.
Molecular consequence: missense variant. On other transcripts: intron variant (2).
Genome position (GRCh38, 1-based): chr15:40,220,709, T>G. VCF-style: chr15-40220709-T-G. GRCh37 (hg19) VCF-style: chr15-40512910-T-G.
Other names: c.-201+3042T>G (NM_001128628.3); c.-118+3042T>G (NM_001128629.3); short protein forms L1035V.
Identifiers: ClinVar variation 1727669 (VCV001727669.2), dbSNP rs2542594317, ClinGen allele CA391690335.

ClinVar aggregate classification (germline): Uncertain significance (1 of 4 stars; one submission).

Conditions:
Inborn genetic diseases. Identifiers: MedGen C0950123, MeSH D030342.

Submission:

Ambry Genetics
Classification: Uncertain significance for Inborn genetic diseases. Last evaluated: 2022-10-12. Review status: criteria provided, single submitter. Criteria: Ambry Variant Classification Scheme 2023. Collection method: clinical testing. Allele origin: germline.
Comment: The p.L1035V variant (also known as c.3103T>G), located in coding exon 23 of the BUB1B gene, results from a T to G substitution at nucleotide position 3103. The leucine at codon 1035 is replaced by valine, an amino acid with highly similar properties. This amino acid position is conserved. In addition, this alteration is predicted to be tolerated by in silico analysis. Since supporting evidence is limited at this time, the clinical significance of this alteration remains unclear.